The following is an entry in ClinVar:

NM_002291.3(LAMB1):c.4188+6G>A

Gene: LAMB1 (laminin subunit beta 1; minus strand). Cytogenetic location: 7q31.1.
Variant type: single nucleotide variant.
Coding change: c.4188+6G>A on transcript NM_002291.3 (MANE Select); 6 bases into the intron after coding-DNA position 4188, G replaced by A.
Molecular consequence: intron variant.
Genome position (GRCh38, 1-based): chr7:107,935,409, C>T on the plus strand (G>A on the coding strand, the complement: LAMB1 is on the minus strand). VCF-style: chr7-107935409-C-T. GRCh37 (hg19) VCF-style: chr7-107575854-C-T.
Identifiers: ClinVar variation 3665846 (VCV003665846.2).

ClinVar aggregate classification (germline): Conflicting classifications of pathogenicity. Review status: criteria provided, conflicting classifications (1 of 4 stars). 2 submissions from 2 submitters: Uncertain significance (1); Likely benign (1). Last evaluated 2024-10-24.

gnomAD v4.1: 64 of 1,431,586 alleles (0.0045%); highest among the groups gnomAD compares: African/African-American, 0.077%; no homozygotes.

Submissions (2):

Labcorp Genetics (formerly Invitae), Labcorp
Classification: Uncertain significance. Last evaluated: 2024-10-24. Review status: criteria provided, single submitter. Criteria: Invitae Variant Classification Sherloc (09022015). Collection method: clinical testing. Allele origin: germline.
Comment: This sequence change falls in intron 27 of the LAMB1 gene. It does not directly change the encoded amino acid sequence of the LAMB1 protein. It affects a nucleotide within the consensus splice site. This variant is present in population databases (rs373821727, gnomAD 0.06%). This variant has not been reported in the literature in individuals affected with LAMB1-related conditions. Variants that disrupt the consensus splice site are a relatively common cause of aberrant splicing (PMID: 17576681, 9536098). Algorithms developed to predict the effect of sequence changes on RNA splicing suggest that this variant is not likely to affect RNA splicing. In summary, the available evidence is currently insufficient to determine the role of this variant in disease. Therefore, it has been classified as a Variant of Uncertain Significance.

Blueprint Genetics
Classification: Likely benign. Last evaluated: 2023-10-06. Review status: criteria provided, single submitter. Criteria: ACMG Guidelines, 2015. Collection method: clinical testing. Allele origin: germline.

Literature cited by the submitters: PubMed 17576681 (cited by Labcorp Genetics (formerly Invitae), Labcorp); PubMed 9536098 (cited by Labcorp Genetics (formerly Invitae), Labcorp).